The following is an entry in ClinVar:

ClinVar aggregate classification (germline): Likely benign (1 of 4 stars; one submission).

Allele frequency attached by ClinVar (database versions not stated): ExAC 0.00010; 1000 Genomes Project 30x 0.00016; 1000 Genomes Project 0.00020; gnomAD exomes 0.00001 and 0.00009; gnomAD 0.00003 and 0.00004; TOPMed 0.00006.
gnomAD v4.1: 20 of 1,612,932 alleles (0.0012%); highest among the groups gnomAD compares: East Asian, 0.04%; no homozygotes.

Submission:

Laboratory for Molecular Medicine, Mass General Brigham Personalized Medicine
Classification: Likely benign. Last evaluated: 2015-06-22. Review status: criteria provided, single submitter. Criteria: LMM Criteria. Collection method: clinical testing. Allele origin: germline. Observed: 1 variant allele.
Comment: p.Gly4800Glu in exon 45A of TTN: This variant is not expected to have clinical s ignificance due to a lack of conservation across species, including mammals. Of note, chimp, cat, and armadillo have a glutamic acid (Glu) at this position. It has also been identified 0.1% (12/8464) of East Asian chromosomes by the Exome A ggregation Consortium.

NM_133379.5(TTN):c.14399G>A (p.Gly4800Glu)

Genes: TTN (titin; minus strand), LOC126806432 (CDK7 strongly-dependent group 2 enhancer GRCh37_chr2:179611985-179613184; plus strand). Cytogenetic location: 2q31.2.
Variant type: single nucleotide variant.
Coding change: c.14399G>A on transcript NM_133379.5; coding-DNA position 14399, G replaced by A.
Protein change: p.Gly4800Glu; replaces glycine 4800 with glutamic acid.
Molecular consequence: missense variant. On other transcripts: intron variant (6).
Genome position (GRCh38, 1-based): chr2:178,748,001, C>T on the plus strand (G>A on the coding strand, the complement: TTN is on the minus strand). VCF-style: chr2-178748001-C-T. GRCh37 (hg19) VCF-style: chr2-179612728-C-T.
Other names: c.10222+5123G>A (NM_003319.4); c.10798+5123G>A (NM_133437.4); c.10597+5123G>A (NM_133432.3); c.10360+5123G>A (NM_133378.4, NM_001256850.1); c.11311+5123G>A (NM_001267550.2); short protein forms G4800E.
Identifiers: ClinVar variation 228184 (VCV000228184.5), dbSNP rs565140436, ClinGen allele CA2003257.
Genomic context (GRCh38, chr2:178,748,001, plus strand): 5'-TCAGCTTCCTGAACATCACCTCTGTGGTCTTCCAAAGTGGCATCTGTATATTCCTGTGTC[C>T]CACCATCCTGCTTTGGAAATGCTGCCAACTCTGGTTCTAGAGTGCATTCTTCTTCCATTT-3'